The following is an entry in ClinVar:

NM_001009996.3(DALRD3):c.1329+1G>A

Gene: DALRD3 (DALR anticodon binding domain containing 3; minus strand). Cytogenetic location: 3p21.31.
Variant type: single nucleotide variant.
Coding change: c.1329+1G>A on transcript NM_001009996.3 (MANE Select); the canonical splice donor site of the intron after coding-DNA position 1329, G replaced by A.
Molecular consequence: splice donor variant.
Genome position (GRCh38, 1-based): chr3:49,016,157, C>T on the plus strand (G>A on the coding strand, the complement: DALRD3 is on the minus strand). VCF-style: chr3-49016157-C-T. GRCh37 (hg19) VCF-style: chr3-49053590-C-T.
Other names: c.828+1G>A (NM_018114.6); c.1329+1G>A (NM_001276405.2).
Identifiers: ClinVar variation 4687493 (VCV004687493.1).
Genomic context (GRCh38, chr3:49,016,157, plus strand): 5'-GAAAGGTGCTGGGAGGGGAAGTCCAGGCCTCCTTGTGCCAGCTACCAGGAGGGACACTCA[C>T]CTCATCATGTAGCAGTGAGAAGTCCAGACTGCTCACAGGAGGAAAAGTGGGGTACAGACC-3'

ClinVar aggregate classification (germline): Uncertain significance (1 of 4 stars; one submission).

Submission:

Women's Health and Genetics/Laboratory Corporation of America, LabCorp
Classification: Uncertain significance. Last evaluated: 2025-10-07. Review status: criteria provided, single submitter. Criteria: LabCorp Variant Classification Summary - May 2015. Collection method: clinical testing. Allele origin: germline.
Comment: Variant summary: DALRD3 c.1329+1G>A is located in a canonical splice-site and is predicted to affect mRNA splicing resulting in a significantly altered protein due to either exon skipping, shortening, or inclusion of intronic material. Variants that disrupt the consensus splice site are a relatively common cause of aberrant splicing, however current evidence is not sufficient to establish loss of function as a mechanism for disease. Several computational tools predict a significant impact on normal splicing: Four predict the variant abolishes a 5' splicing donor site. However, these predictions have yet to be confirmed by functional studies. The variant was absent in 251302 control chromosomes. The available data on variant occurrences in the general population are insufficient to allow any conclusion about variant significance. To our knowledge, no occurrence of c.1329+1G>A in individuals affected with DALRD3-related conditions and no experimental evidence demonstrating its impact on protein function have been reported. No submitters have cited clinical-significance assessments for this variant to ClinVar. Based on the evidence outlined above, the variant was classified as uncertain significance.